The following is an entry in ClinVar:

ClinVar aggregate classification (germline): Pathogenic/Likely pathogenic. Review status: criteria provided, multiple submitters, no conflicts (2 of 4 stars). 4 submissions from 4 submitters: Pathogenic (2); Likely pathogenic (1). 1 of the submissions does not count toward it. Last evaluated 2023-10-27.

Conditions:
Cobalamin C disease. Also called: Methylmalonic aciduria with homocystinuria cblC type; Methylmalonic aciduria and homocystinuria, Vitamin B12-responsive; Vitamin B12 metabolic defect with combined deficiency of methylmalonyl-CoA mutase and homocysteine:methyltetrahydrofolate methyltransferase; methylmalonic aciduria and homocystinuria type cblC; Cobalamin-C methylmalonic acidemia and homocystinuria; Methylmalonic acidemia and homocystinuria cblC type. Identifiers: Orphanet 26, Orphanet 79282, MedGen C1848561, MONDO:0010184, OMIM 277400.

Submissions (4):

Labcorp Genetics (formerly Invitae), Labcorp
Classification: Pathogenic for Cobalamin C disease. Last evaluated: 2023-10-27. Review status: criteria provided, single submitter. Criteria: Invitae Variant Classification Sherloc (09022015). Collection method: clinical testing. Allele origin: germline.
Comment: This sequence change creates a premature translational stop signal (p.Trp157*) in the MMACHC gene. While this is not anticipated to result in nonsense mediated decay, it is expected to disrupt the last 126 amino acid(s) of the MMACHC protein. This variant is not present in population databases (gnomAD no frequency). This premature translational stop signal has been observed in individual(s) with cobalamin C deficiency (PMID: 19370762, 26825575). ClinVar contains an entry for this variant (Variation ID: 553844). This variant disrupts a region of the MMACHC protein in which other variant(s) (p.Tyr222*) have been determined to be pathogenic (PMID: 16311595, 19767224, 30157807). This suggests that this is a clinically significant region of the protein, and that variants that disrupt it are likely to be disease-causing. For these reasons, this variant has been classified as Pathogenic.

Genome-Nilou Lab
Classification: Likely pathogenic for Cobalamin C disease. Last evaluated: 2023-04-11. Review status: criteria provided, single submitter. Criteria: ACMG Guidelines, 2015. Collection method: clinical testing. Allele origin: germline. Affected: no.

Baylor Genetics
Classification: Pathogenic for Cobalamin C disease. Last evaluated: 2023-02-16. Review status: criteria provided, single submitter. Criteria: ACMG Guidelines, 2015. Collection method: clinical testing. Allele origin: unknown.

Counsyl
Classification: Likely pathogenic for Cobalamin C disease. Last evaluated: 2017-09-11. Review status: no assertion criteria provided. Collection method: clinical testing. Allele origin: unknown. Not counted in ClinVar's aggregate classification.

Literature cited by the submitters: PubMed 19370762 (cited by Labcorp Genetics (formerly Invitae), Labcorp and Counsyl); PubMed 26825575 (cited by Labcorp Genetics (formerly Invitae), Labcorp and Counsyl); PubMed 16311595 (cited by Labcorp Genetics (formerly Invitae), Labcorp); PubMed 19767224 (cited by Labcorp Genetics (formerly Invitae), Labcorp); PubMed 30157807 (cited by Labcorp Genetics (formerly Invitae), Labcorp); PubMed 26270766 (cited by Counsyl).

NM_015506.3(MMACHC):c.471G>A (p.Trp157Ter)

Gene: MMACHC (metabolism of cobalamin associated C; plus strand). Cytogenetic location: 1p34.1.
Variant type: single nucleotide variant.
Coding change: c.471G>A on transcript NM_015506.3 (MANE Select); coding-DNA position 471, G replaced by A.
Protein change: p.Trp157Ter; replaces tryptophan 157 with a stop codon.
Molecular consequence: nonsense.
Genome position (GRCh38, 1-based): chr1:45,508,837, G>A. VCF-style: chr1-45508837-G-A. GRCh37 (hg19) VCF-style: chr1-45974509-G-A.
Other names: c.300G>A, p.Trp100Ter (NM_001330540.2); short protein forms W157*, W100*.
Identifiers: ClinVar variation 553844 (VCV000553844.11), dbSNP rs1002571805, ClinGen allele CA340133123.